The following is an entry in ClinVar:

NM_207361.6(FREM2):c.4442C>T (p.Ser1481Phe)

Gene: FREM2 (FRAS1 related extracellular matrix 2; plus strand). Cytogenetic location: 13q13.3.
Variant type: single nucleotide variant.
Coding change: c.4442C>T on transcript NM_207361.6 (MANE Select); coding-DNA position 4442, C replaced by T.
Protein change: p.Ser1481Phe; replaces serine 1481 with phenylalanine.
Molecular consequence: missense variant.
Genome position (GRCh38, 1-based): chr13:38,691,786, C>T. VCF-style: chr13-38691786-C-T. GRCh37 (hg19) VCF-style: chr13-39265923-C-T.
Other names: short protein forms S1481F.
Identifiers: ClinVar variation 2632347 (VCV002632347.1), dbSNP rs777134774, ClinGen allele CA6954992.

ClinVar aggregate classification (germline): Uncertain significance (1 of 4 stars; one submission).

Conditions:
FREM2-related disorder. Also called: FREM2-related condition.

Allele frequency attached by ClinVar (database versions not stated): ExAC 0.00001.
gnomAD v4.1: 8 of 1,614,200 alleles (0.0005%); highest among the groups gnomAD compares: East Asian, 0.018%; no homozygotes.

Submission:

PreventionGenetics, part of Exact Sciences
Classification: Uncertain significance for FREM2-related condition. Last evaluated: 2023-05-24. Review status: criteria provided, single submitter. Criteria: ACMG Guidelines, 2015. Collection method: clinical testing. Allele origin: germline.
Comment: The FREM2 c.4442C>T variant is predicted to result in the amino acid substitution p.Ser1481Phe. To our knowledge, this variant has not been reported in the literature. This variant is reported in 0.022% of alleles in individuals of East Asian descent in gnomAD. At this time, the clinical significance of this variant is uncertain due to the absence of conclusive functional and genetic evidence.